The following is an entry in ClinVar:

ClinVar aggregate classification (germline): Likely benign (1 of 4 stars; one submission).

gnomAD v4.1: 7 of 1,613,348 alleles (0.00043%); highest among the groups gnomAD compares: Admixed American, 0.012%; no homozygotes.

Submission:

CeGaT Center for Human Genetics Tuebingen
Classification: Likely benign. Last evaluated: 2026-02-01. Review status: criteria provided, single submitter. Criteria: CeGaT Center For Human Genetics Tuebingen Variant Classification Criteria Version 2. Collection method: clinical testing. Allele origin: germline. Affected: yes. Observed: 1 variant allele.
Comment: GTPBP1: BP4, BP7

NM_004286.5(GTPBP1):c.315G>A (p.Glu105=)

Gene: GTPBP1 (GTP binding protein 1; plus strand). Cytogenetic location: 22q13.1.
Variant type: single nucleotide variant.
Coding change: c.315G>A on transcript NM_004286.5 (MANE Select); coding-DNA position 315, G replaced by A.
Protein change: p.Glu105=; no amino-acid change (glutamic acid 105 retained).
Molecular consequence: synonymous variant.
Genome position (GRCh38, 1-based): chr22:38,715,917, G>A. VCF-style: chr22-38715917-G-A. GRCh37 (hg19) VCF-style: chr22-39111922-G-A.
Identifiers: ClinVar variation 4823331 (VCV004823331.4).